The following is an entry in ClinVar:

NM_001001957.2(OR2W3):c.346G>A (p.Ala116Thr)

Gene: OR2W3 (olfactory receptor family 2 subfamily W member 3; plus strand). Cytogenetic location: 1q44.
Variant type: single nucleotide variant.
Coding change: c.346G>A on transcript NM_001001957.2 (MANE Select); coding-DNA position 346, G replaced by A.
Protein change: p.Ala116Thr; replaces alanine 116 with threonine.
Molecular consequence: missense variant.
Genome position (GRCh38, 1-based): chr1:247,895,932, G>A. VCF-style: chr1-247895932-G-A. GRCh37 (hg19) VCF-style: chr1-248059234-G-A.
Other names: short protein forms A116T.
Identifiers: ClinVar variation 2415877 (VCV002415877.7), dbSNP rs767375006, ClinGen allele CA1498577.

ClinVar aggregate classification (germline): Uncertain significance. Review status: criteria provided, multiple submitters, no conflicts (2 of 4 stars). 2 submissions from 2 submitters: Uncertain significance (2). Last evaluated 2024-10-07.

Allele frequency attached by ClinVar (database versions not stated): TOPMed 0.00001; gnomAD exomes 0.00004; ExAC 0.00007.

Submissions (2):

Ambry Genetics
Classification: Uncertain significance. Last evaluated: 2024-10-07. Review status: criteria provided, single submitter. Criteria: Ambry Variant Classification Scheme 2023. Collection method: clinical testing. Allele origin: germline.

Labcorp Genetics (formerly Invitae), Labcorp
Classification: Uncertain significance. Last evaluated: 2024-05-16. Review status: criteria provided, single submitter. Criteria: Invitae Variant Classification Sherloc (09022015). Collection method: clinical testing. Allele origin: germline.
Comment: This sequence change replaces alanine, which is neutral and non-polar, with threonine, which is neutral and polar, at codon 116 of the OR2W3 protein (p.Ala116Thr). This variant is present in population databases (rs767375006, gnomAD 0.06%), and has an allele count higher than expected for a pathogenic variant. This variant has not been reported in the literature in individuals affected with OR2W3-related conditions. ClinVar contains an entry for this variant (Variation ID: 2415877). An algorithm developed to predict the effect of missense changes on protein structure and function (PolyPhen-2) suggests that this variant is likely to be disruptive. In summary, the available evidence is currently insufficient to determine the role of this variant in disease. Therefore, it has been classified as a Variant of Uncertain Significance.